The following is an entry in ClinVar:

ClinVar aggregate classification (germline): Conflicting classifications of pathogenicity. Review status: criteria provided, conflicting classifications (1 of 4 stars). 3 submissions from 3 submitters: Uncertain significance (2); Benign (1). Last evaluated 2025-04-19.

Conditions:
Cardiovascular phenotype. Identifiers: MedGen CN230736.
Dilated cardiomyopathy 1DD (CMD1DD). Identifiers: Orphanet 154, MedGen C2750995, MONDO:0013168, OMIM 613172.

Allele frequency attached by ClinVar (database versions not stated): gnomAD 0.00001; TOPMed 0.00002.
gnomAD v4.1: 2 of 1,551,586 alleles (0.00013%); highest among the groups gnomAD compares: African/African-American, 0.0027%; no homozygotes.

Submissions (3):

Ambry Genetics
Classification: Uncertain significance for Cardiovascular phenotype. Last evaluated: 2025-04-19. Review status: criteria provided, single submitter. Criteria: Ambry Variant Classification Scheme 2023. Collection method: clinical testing. Allele origin: germline.
Comment: The p.K700N variant (also known as c.2100G>C), located in coding exon 9 of the RBM20 gene, results from a G to C substitution at nucleotide position 2100. The lysine at codon 700 is replaced by asparagine, an amino acid with similar properties. This amino acid position is highly conserved in available vertebrate species. In addition, this alteration is predicted to be tolerated by in silico analysis. Since supporting evidence is limited at this time, the clinical significance of this alteration remains unclear.

Labcorp Genetics (formerly Invitae), Labcorp
Classification: Benign for Dilated cardiomyopathy 1DD. Last evaluated: 2024-02-08. Review status: criteria provided, single submitter. Criteria: Invitae Variant Classification Sherloc (09022015). Collection method: clinical testing. Allele origin: germline.

Fulgent Genetics
Classification: Uncertain significance for Dilated cardiomyopathy 1DD. Last evaluated: 2021-09-14. Review status: criteria provided, single submitter. Criteria: ACMG Guidelines, 2015. Collection method: clinical testing. Allele origin: unknown.

NM_001134363.3(RBM20):c.2100G>C (p.Lys700Asn)

Gene: RBM20 (RNA binding motif protein 20; plus strand). Cytogenetic location: 10q25.2.
Variant type: single nucleotide variant.
Coding change: c.2100G>C on transcript NM_001134363.3 (MANE Select); coding-DNA position 2100, G replaced by C.
Protein change: p.Lys700Asn; replaces lysine 700 with asparagine.
Molecular consequence: missense variant.
Genome position (GRCh38, 1-based): chr10:110,812,497, G>C. VCF-style: chr10-110812497-G-C. GRCh37 (hg19) VCF-style: chr10-112572255-G-C.
Other names: short protein forms K700N.
Identifiers: ClinVar variation 538025 (VCV000538025.12), dbSNP rs957430941, ClinGen allele CA213223783.
Genomic context (GRCh38, chr10:110,812,497, plus strand): 5'-CTATGCCAGGAGGGAGGAAGAGCGAGACCCGGCTCCCTGGAGGGACAACGGAGATGACAA[G>C]AGGGACAGGATGGACCCCTGGGCACATGATCGCAAACACCACCCCCGGCAACTGGACAAG-3'
Protein context (NP_001127835.2, residues 690-710): PAPWRDNGDD[Lys700Asn]RDRMDPWAHD